The following is an entry in ClinVar:

ClinVar aggregate classification (germline): Uncertain significance (1 of 4 stars; one submission).

Submission:

Labcorp Genetics (formerly Invitae), Labcorp
Classification: Uncertain significance. Last evaluated: 2024-04-16. Review status: criteria provided, single submitter. Criteria: Invitae Variant Classification Sherloc (09022015). Collection method: clinical testing. Allele origin: germline.
Comment: This sequence change replaces proline, which is neutral and non-polar, with serine, which is neutral and polar, at codon 747 of the ARHGAP31 protein (p.Pro747Ser). This variant is not present in population databases (gnomAD no frequency). This variant has not been reported in the literature in individuals affected with ARHGAP31-related conditions. An algorithm developed to predict the effect of missense changes on protein structure and function (PolyPhen-2) suggests that this variant is likely to be tolerated. In summary, the available evidence is currently insufficient to determine the role of this variant in disease. Therefore, it has been classified as a Variant of Uncertain Significance.

NM_020754.4(ARHGAP31):c.2239C>T (p.Pro747Ser)

Gene: ARHGAP31 (Rho GTPase activating protein 31; plus strand). Cytogenetic location: 3q13.33.
Variant type: single nucleotide variant.
Coding change: c.2239C>T on transcript NM_020754.4 (MANE Select); coding-DNA position 2239, C replaced by T.
Protein change: p.Pro747Ser; replaces proline 747 with serine.
Molecular consequence: missense variant.
Genome position (GRCh38, 1-based): chr3:119,414,168, C>T. VCF-style: chr3-119414168-C-T. GRCh37 (hg19) VCF-style: chr3-119133015-C-T.
Other names: short protein forms P747S.
Identifiers: ClinVar variation 3687250 (VCV003687250.2).